The following is an entry in ClinVar:

ClinVar aggregate classification (germline): Uncertain significance (1 of 4 stars; one submission).

Conditions:
Brugada syndrome. Also called: Sudden Unexplained Death Syndrome; Sudden Unexplained Nocturnal Death Syndrome (SUNDS); Sudden unexpected nocturnal death syndrome; Sudden unexplained nocturnal death syndrome. Identifiers: Orphanet 130, MedGen C1142166, MONDO:0015263.

Allele frequency attached by ClinVar (database versions not stated): gnomAD exomes 0.00001.
gnomAD v4.1: 6 of 1,614,238 alleles (0.00037%); highest among the groups gnomAD compares: Non-Finnish European, 0.00051%; no homozygotes.

Submission:

Labcorp Genetics (formerly Invitae), Labcorp
Classification: Uncertain significance for Brugada syndrome. Last evaluated: 2022-09-01. Review status: criteria provided, single submitter. Criteria: Invitae Variant Classification Sherloc (09022015). Collection method: clinical testing. Allele origin: germline.
Comment: In summary, the available evidence is currently insufficient to determine the role of this variant in disease. Therefore, it has been classified as a Variant of Uncertain Significance. Advanced modeling of protein sequence and biophysical properties (such as structural, functional, and spatial information, amino acid conservation, physicochemical variation, residue mobility, and thermodynamic stability) performed at Invitae indicates that this missense variant is expected to disrupt SCN10A protein function. ClinVar contains an entry for this variant (Variation ID: 855919). This variant has not been reported in the literature in individuals affected with SCN10A-related conditions. This variant is not present in population databases (gnomAD no frequency). This sequence change replaces phenylalanine, which is neutral and non-polar, with leucine, which is neutral and non-polar, at codon 1519 of the SCN10A protein (p.Phe1519Leu).

NM_006514.4(SCN10A):c.4555T>C (p.Phe1519Leu)

Gene: SCN10A (sodium voltage-gated channel alpha subunit 10; minus strand). Cytogenetic location: 3p22.2.
Variant type: single nucleotide variant.
Coding change: c.4555T>C on transcript NM_006514.4 (MANE Select); coding-DNA position 4555, T replaced by C.
Protein change: p.Phe1519Leu; replaces phenylalanine 1519 with leucine.
Molecular consequence: missense variant.
Genome position (GRCh38, 1-based): chr3:38,701,941, A>G on the plus strand (T>C on the coding strand, the complement: SCN10A is on the minus strand). VCF-style: chr3-38701941-A-G. GRCh37 (hg19) VCF-style: chr3-38743432-A-G.
Other names: c.4552T>C, p.Phe1518Leu (NM_001293306.2); c.4261T>C, p.Phe1421Leu (NM_001293307.2); short protein forms F1421L, F1518L, F1519L.
Identifiers: ClinVar variation 855919 (VCV000855919.6), dbSNP rs2063160638, ClinGen allele CA352146107.